The following is an entry in ClinVar:

NM_000069.3(CACNA1S):c.5575G>A (p.Asp1859Asn)

Gene: CACNA1S (calcium voltage-gated channel subunit alpha1 S; minus strand). Cytogenetic location: 1q32.1.
Variant type: single nucleotide variant.
Coding change: c.5575G>A on transcript NM_000069.3 (MANE Select); coding-DNA position 5575, G replaced by A.
Protein change: p.Asp1859Asn; replaces aspartic acid 1859 with asparagine.
Molecular consequence: missense variant.
Genome position (GRCh38, 1-based): chr1:201,039,878, C>T on the plus strand (G>A on the coding strand, the complement: CACNA1S is on the minus strand). VCF-style: chr1-201039878-C-T. GRCh37 (hg19) VCF-style: chr1-201009006-C-T.
Other names: c.5575G>A (NM_000069.2); short protein forms D1859N.
Identifiers: ClinVar variation 1496452 (VCV001496452.8), dbSNP rs191263754, ClinGen allele CA083904.

ClinVar aggregate classification (germline): Conflicting classifications of pathogenicity. Review status: criteria provided, conflicting classifications (1 of 4 stars). 3 submissions from 3 submitters: Uncertain significance (2); Likely benign (1). Last evaluated 2025-11-03.

Conditions:
Thyrotoxic periodic paralysis, susceptibility to, 1 (TTPP1). Identifiers: Orphanet 79102, MedGen C2749982, MONDO:0008570, OMIM 188580.
Hypokalemic periodic paralysis, type 1. Also called: HypoPP; Hypokalemic Periodic Paralysis Type 1 (AD). Identifiers: Orphanet 681, MedGen C3714580, MONDO:0042979, OMIM 170400.
Malignant hyperthermia, susceptibility to, 5 (MHS5). Also called: CACNA1S-Related Malignant Hyperthermia Susceptibility. Identifiers: Orphanet 423, MedGen C1866077, MONDO:0011163, OMIM 601887.

Allele frequency attached by ClinVar (database versions not stated): gnomAD 0.00001; gnomAD exomes 0.00001 and 0.00002; TOPMed 0.00001; ExAC 0.00002; 1000 Genomes Project 30x 0.00016; 1000 Genomes Project 0.00020.
gnomAD v4.1: 14 of 1,611,584 alleles (0.00087%); highest among the groups gnomAD compares: Admixed American, 0.0067%; no homozygotes.

Submissions (3):

Labcorp Genetics (formerly Invitae), Labcorp
Classification: Likely benign for Hypokalemic periodic paralysis, type 1; Malignant hyperthermia, susceptibility to, 5. Last evaluated: 2025-11-03. Review status: criteria provided, single submitter. Criteria: Invitae Variant Classification Sherloc (09022015). Collection method: clinical testing. Allele origin: germline.

GeneDx
Classification: Uncertain significance. Last evaluated: 2025-03-04. Review status: criteria provided, single submitter. Criteria: GeneDx Variant Classification Process June 2021. Collection method: clinical testing. Allele origin: germline. Affected: yes.
Comment: In silico analysis indicates that this missense variant does not alter protein structure/function; Has not been previously published as pathogenic or benign to our knowledge

Fulgent Genetics
Classification: Uncertain significance for Hypokalemic periodic paralysis, type 1; Thyrotoxic periodic paralysis, susceptibility to, 1; Malignant hyperthermia, susceptibility to, 5. Last evaluated: 2021-12-27. Review status: criteria provided, single submitter. Criteria: ACMG Guidelines, 2015. Collection method: clinical testing. Allele origin: unknown.